The following is an entry in ClinVar:

ClinVar aggregate classification (germline): Uncertain significance (1 of 4 stars; one submission).

Conditions:
Dilated cardiomyopathy 1W (CMD1W). Identifiers: Orphanet 154, MedGen C1969639, MONDO:0012667, OMIM 611407.

Submission:

Labcorp Genetics (formerly Invitae), Labcorp
Classification: Uncertain significance for Dilated cardiomyopathy 1W. Last evaluated: 2023-05-08. Review status: criteria provided, single submitter. Criteria: Invitae Variant Classification Sherloc (09022015). Collection method: clinical testing. Allele origin: germline.
Comment: This sequence change replaces leucine with phenylalanine at codon 88 of the VCL protein (p.Leu88Phe). The leucine residue is highly conserved and there is a small physicochemical difference between leucine and phenylalanine. This variant is not present in population databases (gnomAD no frequency). This variant has not been reported in the literature in individuals affected with VCL-related conditions. ClinVar contains an entry for this variant (Variation ID: 1373225). An algorithm developed to predict the effect of missense changes on protein structure and function (PolyPhen-2) suggests that this variant is likely to be disruptive. In summary, the available evidence is currently insufficient to determine the role of this variant in disease. Therefore, it has been classified as a Variant of Uncertain Significance.

NM_014000.3(VCL):c.262C>T (p.Leu88Phe)

Gene: VCL (vinculin; plus strand). Cytogenetic location: 10q22.2.
Variant type: single nucleotide variant.
Coding change: c.262C>T on transcript NM_014000.3 (MANE Select); coding-DNA position 262, C replaced by T.
Protein change: p.Leu88Phe; replaces leucine 88 with phenylalanine.
Molecular consequence: missense variant.
Genome position (GRCh38, 1-based): chr10:74,070,692, C>T. VCF-style: chr10-74070692-C-T. GRCh37 (hg19) VCF-style: chr10-75830450-C-T.
Other names: c.262C>T, p.Leu88Phe (NM_003373.4); short protein forms L88F.
Identifiers: ClinVar variation 1373225 (VCV001373225.6), dbSNP rs2136272689, ClinGen allele CA377265726.